The following is an entry in ClinVar:

ClinVar aggregate classification (germline): Uncertain significance. Review status: criteria provided, multiple submitters, no conflicts (2 of 4 stars). 2 submissions from 2 submitters: Uncertain significance (2). Last evaluated 2025-12-29.

Conditions:
Inborn genetic diseases. Identifiers: MedGen C0950123, MeSH D030342.

Submissions (2):

Labcorp Genetics (formerly Invitae), Labcorp
Classification: Uncertain significance. Last evaluated: 2025-12-29. Review status: criteria provided, single submitter. Criteria: Invitae Variant Classification Sherloc (09022015). Collection method: clinical testing. Allele origin: germline.
Comment: This sequence change replaces valine, which is neutral and non-polar, with leucine, which is neutral and non-polar, at codon 90 of the CDH2 protein (p.Val90Leu). This variant is present in population databases (rs778990479, gnomAD 0.02%). This variant has not been reported in the literature in individuals affected with CDH2-related conditions. ClinVar contains an entry for this variant (Variation ID: 2049287). An algorithm developed to predict the effect of missense changes on protein structure and function (PolyPhen-2) suggests that this variant is likely to be tolerated. In summary, the available evidence is currently insufficient to determine the role of this variant in disease. Therefore, it has been classified as a Variant of Uncertain Significance.

Ambry Genetics
Classification: Uncertain significance for Inborn genetic diseases. Last evaluated: 2024-03-01. Review status: criteria provided, single submitter. Criteria: Ambry Variant Classification Scheme 2023. Collection method: clinical testing. Allele origin: germline.
Comment: The p.V90L variant (also known as c.268G>T), located in coding exon 3 of the CDH2 gene, results from a G to T substitution at nucleotide position 268. The valine at codon 90 is replaced by leucine, an amino acid with highly similar properties. This amino acid position is conserved. In addition, this alteration is predicted to be tolerated by in silico analysis. Based on the available evidence, the clinical significance of this alteration remains unclear.

NM_001792.5(CDH2):c.268G>T (p.Val90Leu)

Gene: CDH2 (cadherin 2; minus strand). Cytogenetic location: 18q12.1.
Variant type: single nucleotide variant.
Coding change: c.268G>T on transcript NM_001792.5 (MANE Select); coding-DNA position 268, G replaced by T.
Protein change: p.Val90Leu; replaces valine 90 with leucine.
Molecular consequence: missense variant.
Genome position (GRCh38, 1-based): chr18:28,013,814, C>A on the plus strand (G>T on the coding strand, the complement: CDH2 is on the minus strand). VCF-style: chr18-28013814-C-A. GRCh37 (hg19) VCF-style: chr18-25593778-C-A.
Other names: c.175G>T, p.Val59Leu (NM_001308176.2); short protein forms V90L, V59L.
Identifiers: ClinVar variation 2049287 (VCV002049287.4), dbSNP rs778990479, ClinGen allele CA8923738.
Genomic context (GRCh38, chr18:28,013,814, plus strand): 5'-CTTTGTCTTGGGCATATATCAGGAACTTGGCATGCTCAGAAGAGAGTGGAAAGCTTCTCA[C>A]GGCATACACCATGCCATCTTCATCCACCTTAAAATCTGCAGGCTCACTGCTCTCATATTG-3'
Protein context (NP_001783.2, residues 80-100): KVDEDGMVYA[Val90Leu]RSFPLSSEHA